The following is an entry in ClinVar:

ClinVar aggregate classification (germline): Uncertain significance (1 of 4 stars; one submission).

Submission:

Labcorp Genetics (formerly Invitae), Labcorp
Classification: Uncertain significance. Last evaluated: 2022-02-19. Review status: criteria provided, single submitter. Criteria: Invitae Variant Classification Sherloc (09022015). Collection method: clinical testing. Allele origin: germline.
Comment: This sequence change falls in intron 77 of the HUWE1 gene. It does not directly change the encoded amino acid sequence of the HUWE1 protein. It affects a nucleotide within the consensus splice site. In summary, the available evidence is currently insufficient to determine the role of this variant in disease. Therefore, it has been classified as a Variant of Uncertain Significance. Variants that disrupt the consensus splice site are a relatively common cause of aberrant splicing (PMID: 17576681, 9536098). Algorithms developed to predict the effect of sequence changes on RNA splicing suggest that this variant is not likely to affect RNA splicing. This variant has not been reported in the literature in individuals affected with HUWE1-related conditions. This variant is not present in population databases (gnomAD no frequency).

Literature cited by the submitters: PubMed 17576681; PubMed 9536098.

NM_031407.7(HUWE1):c.11996+6T>C

Gene: HUWE1 (HECT, UBA and WWE domain containing E3 ubiquitin protein ligase 1; minus strand). Cytogenetic location: Xp11.22.
Variant type: single nucleotide variant.
Coding change: c.11996+6T>C on transcript NM_031407.7 (MANE Select); 6 bases into the intron after coding-DNA position 11996, T replaced by C.
Molecular consequence: intron variant.
Genome position (GRCh38, 1-based): chrX:53,538,331, A>G on the plus strand (T>C on the coding strand, the complement: HUWE1 is on the minus strand). VCF-style: chrX-53538331-A-G. GRCh37 (hg19) VCF-style: chrX-53565292-A-G.
Identifiers: ClinVar variation 2099690 (VCV002099690.4), dbSNP rs2522290933, ClinGen allele CA2580101189.